The following is an entry in ClinVar:

ClinVar aggregate classification (germline): Uncertain significance (1 of 4 stars; one submission).

Conditions:
Long QT syndrome (LQTS). Identifiers: MedGen C0023976, MeSH D008133, MONDO:0002442. Disease mechanism: loss of function. Inheritance: Various modes of inheritance.

Submission:

All of Us Research Program, National Institutes of Health
Classification: Uncertain significance for Long QT syndrome. Last evaluated: 2023-04-10. Review status: criteria provided, single submitter. Criteria: ACMG Guidelines, 2015. Collection method: clinical testing. Allele origin: germline. Inheritance: Autosomal dominant inheritance. Observed: 1 variant allele, 1 heterozygote.
Comment: This missense variant replaces asparagine with serine at codon 714 of the KCNH2 protein. Computational prediction suggests that this variant may have deleterious impact on protein structure and function (internally defined REVEL score threshold >= 0.7, PMID: 27666373). To our knowledge, functional studies have not been reported for this variant. This variant has not been reported in individuals affected with KCNH2-related disorders in the literature. This variant has not been identified in the general population by the Genome Aggregation Database (gnomAD). The available evidence is insufficient to determine the role of this variant in disease conclusively. Therefore, this variant is classified as a Variant of Uncertain Significance.

This study involves interpretation of variants in research participants for the purpose of population health screening. Participant phenotype was not available at the time of variant classification. Additional details can be found in publication PMID: 35346344, PMCID: PMC8962531

NM_000238.4(KCNH2):c.2141A>G (p.Asn714Ser)

Gene: KCNH2 (potassium voltage-gated channel subfamily H member 2; minus strand). Cytogenetic location: 7q36.1.
Variant type: single nucleotide variant.
Coding change: c.2141A>G on transcript NM_000238.4 (MANE Select); coding-DNA position 2141, A replaced by G.
Protein change: p.Asn714Ser; replaces asparagine 714 with serine.
Molecular consequence: missense variant. On other transcripts: non-coding transcript variant (2).
Genome position (GRCh38, 1-based): chr7:150,950,925, T>C on the plus strand (A>G on the coding strand, the complement: KCNH2 is on the minus strand). VCF-style: chr7-150950925-T-C. GRCh37 (hg19) VCF-style: chr7-150648013-T-C.
Other names: c.1121A>G, p.Asn374Ser (NM_001204798.2, NM_172057.3); c.1853A>G, p.Asn618Ser (NM_001406753.1, NM_001406756.1); c.1964A>G, p.Asn655Ser (NM_001406755.1); c.1841A>G, p.Asn614Ser (NM_001406757.1); c.2141A>G, p.Asn714Ser (NM_172056.3); short protein forms N374S, N614S, N618S, N655S, N714S.
Identifiers: ClinVar variation 3070412 (VCV003070412.1), dbSNP rs2486030203, ClinGen allele CA369857308.